The following is an entry in ClinVar:

NM_002156.5(HSPD1):c.491C>T (p.Thr164Ile)

Gene: HSPD1 (heat shock protein family D (Hsp60) member 1; minus strand). Cytogenetic location: 2q33.1.
Variant type: single nucleotide variant.
Coding change: c.491C>T on transcript NM_002156.5 (MANE Select); coding-DNA position 491, C replaced by T.
Protein change: p.Thr164Ile; replaces threonine 164 with isoleucine.
Molecular consequence: missense variant.
Genome position (GRCh38, 1-based): chr2:197,495,313, G>A on the plus strand (C>T on the coding strand, the complement: HSPD1 is on the minus strand). VCF-style: chr2-197495313-G-A. GRCh37 (hg19) VCF-style: chr2-198360037-G-A.
Other names: c.491C>T, p.Thr164Ile (NM_199440.2); short protein forms T164I.
Identifiers: ClinVar variation 2141852 (VCV002141852.4), dbSNP rs1174280053, ClinGen allele CA350202828.

ClinVar aggregate classification (germline): Uncertain significance (1 of 4 stars; one submission).

Conditions:
Spastic paraplegia. Identifiers: MedGen C0037772, HP:0001258.

Allele frequency attached by ClinVar (database versions not stated): TOPMed 0.00002.
gnomAD v4.1: 7 of 1,606,294 alleles (0.00044%); highest among the groups gnomAD compares: Admixed American, 0.01%; no homozygotes.

Submission:

Labcorp Genetics (formerly Invitae), Labcorp
Classification: Uncertain significance for Spastic paraplegia. Last evaluated: 2024-04-09. Review status: criteria provided, single submitter. Criteria: Invitae Variant Classification Sherloc (09022015). Collection method: clinical testing. Allele origin: germline.
Comment: This sequence change replaces threonine, which is neutral and polar, with isoleucine, which is neutral and non-polar, at codon 164 of the HSPD1 protein (p.Thr164Ile). This variant is present in population databases (no rsID available, gnomAD 0.01%). This variant has not been reported in the literature in individuals affected with HSPD1-related conditions. ClinVar contains an entry for this variant (Variation ID: 2141852). Advanced modeling of protein sequence and biophysical properties (such as structural, functional, and spatial information, amino acid conservation, physicochemical variation, residue mobility, and thermodynamic stability) performed at Invitae indicates that this missense variant is expected to disrupt HSPD1 protein function with a positive predictive value of 80%. In summary, the available evidence is currently insufficient to determine the role of this variant in disease. Therefore, it has been classified as a Variant of Uncertain Significance.